The following is an entry in ClinVar:

NM_013275.6(ANKRD11):c.3825C>G (p.Asp1275Glu)

Gene: ANKRD11 (ankyrin repeat domain 11; minus strand). Cytogenetic location: 16q24.3.
Variant type: single nucleotide variant.
Coding change: c.3825C>G on transcript NM_013275.6 (MANE Select); coding-DNA position 3825, C replaced by G.
Protein change: p.Asp1275Glu; replaces aspartic acid 1275 with glutamic acid.
Molecular consequence: missense variant.
Genome position (GRCh38, 1-based): chr16:89,282,717, G>C on the plus strand (C>G on the coding strand, the complement: ANKRD11 is on the minus strand). VCF-style: chr16-89282717-G-C. GRCh37 (hg19) VCF-style: chr16-89349125-G-C.
Other names: c.3825C>G, p.Asp1275Glu (NM_001256183.2, NM_001256182.2); short protein forms D1275E.
Identifiers: ClinVar variation 3543580 (VCV003543580.2).

ClinVar aggregate classification (germline): Conflicting classifications of pathogenicity. Review status: criteria provided, conflicting classifications (1 of 4 stars). 2 submissions from 2 submitters: Uncertain significance (1); Likely benign (1). Last evaluated 2025-03-10.

Conditions:
KBG syndrome (KBGS). Also called: ANKRD11-Related KBG Syndrome. Identifiers: Orphanet 2332, MedGen C0220687, MONDO:0007846, OMIM 148050.
Inborn genetic diseases. Identifiers: MedGen C0950123, MeSH D030342.

gnomAD v4.1: 10 of 1,613,788 alleles (0.00062%); highest among the groups gnomAD compares: South Asian, 0.0011%; no homozygotes.

Submissions (2):

Labcorp Genetics (formerly Invitae), Labcorp
Classification: Uncertain significance for KBG syndrome. Last evaluated: 2025-03-10. Review status: criteria provided, single submitter. Criteria: Invitae Variant Classification Sherloc (09022015). Collection method: clinical testing. Allele origin: germline.
Comment: This sequence change replaces aspartic acid, which is acidic and polar, with glutamic acid, which is acidic and polar, at codon 1275 of the ANKRD11 protein (p.Asp1275Glu). This variant is present in population databases (rs143240956, gnomAD 0.003%). This variant has not been reported in the literature in individuals affected with ANKRD11-related conditions. ClinVar contains an entry for this variant (Variation ID: 3543580). Invitae Evidence Modeling of protein sequence and biophysical properties (such as structural, functional, and spatial information, amino acid conservation, physicochemical variation, residue mobility, and thermodynamic stability) indicates that this missense variant is not expected to disrupt ANKRD11 protein function with a negative predictive value of 95%. In summary, the available evidence is currently insufficient to determine the role of this variant in disease. Therefore, it has been classified as a Variant of Uncertain Significance.

Ambry Genetics
Classification: Likely benign for Inborn genetic diseases. Last evaluated: 2024-08-05. Review status: criteria provided, single submitter. Criteria: Ambry Variant Classification Scheme 2023. Collection method: clinical testing. Allele origin: germline.